The following is an entry in ClinVar:

NM_000093.5(COL5A1):c.2488G>T (p.Glu830Ter)

Gene: COL5A1 (collagen type V alpha 1 chain; plus strand). Cytogenetic location: 9q34.3.
Variant type: single nucleotide variant.
Coding change: c.2488G>T on transcript NM_000093.5 (MANE Select); coding-DNA position 2488, G replaced by T.
Protein change: p.Glu830Ter; replaces glutamic acid 830 with a stop codon.
Molecular consequence: nonsense.
Genome position (GRCh38, 1-based): chr9:134,784,992, G>T. VCF-style: chr9-134784992-G-T. GRCh37 (hg19) VCF-style: chr9-137676838-G-T.
Other names: c.2488G>T, p.Glu830Ter (NM_001278074.1); short protein forms E830*.
Identifiers: ClinVar variation 1342707 (VCV001342707.1), dbSNP rs1837403402, ClinGen allele CA375454310.

ClinVar aggregate classification (germline): Likely pathogenic (1 of 4 stars; one submission).

Conditions:
Ehlers-Danlos syndrome, classic type, 1 (EDSCL1). Also called: EHLERS-DANLOS SYNDROME, GRAVIS TYPE; EHLERS-DANLOS SYNDROME, SEVERE CLASSIC TYPE; Ehlers-Danlos syndrome, type 1; EDS I; Ehlers-Danlos Syndrome, Classic Type, COL5A1-Related. Identifiers: MedGen C0268335, MONDO:0019567, OMIM 130000.

Submission:

Clinical Genetics Laboratory, Region Ostergotland
Classification: Likely pathogenic for Ehlers-Danlos syndrome, classic type, 1. Last evaluated: 2021-11-15. Review status: criteria provided, single submitter. Criteria: ACMG Guidelines, 2015. Collection method: clinical testing. Allele origin: germline. Affected: yes.
Comment: PVS1, PM2